The following is an entry in ClinVar:

ClinVar aggregate classification (germline): Uncertain significance (1 of 4 stars; one submission).

Conditions:
CHARGE syndrome (CHARGE). Also called: Coloboma, heart anomaly, choanal atresia, retardation, genital and ear anomalies; CHARGE association; Hall-Hittner syndrome; Hittner Hirsch Kreh syndrome; CHARGE ASSOCIATION--COLOBOMA, HEART ANOMALY, CHOANAL ATRESIA, RETARDATION, GENITAL AND EAR ANOMALIES. Identifiers: Orphanet 138, MedGen C0265354, MONDO:0008965.

Submission:

Labcorp Genetics (formerly Invitae), Labcorp
Classification: Uncertain significance for CHARGE association. Last evaluated: 2018-12-18. Review status: criteria provided, single submitter. Criteria: Invitae Variant Classification Sherloc (09022015). Collection method: clinical testing. Allele origin: germline.
Comment: This sequence change replaces proline with histidine at codon 398 of the CHD7 protein (p.Pro398His). The proline residue is highly conserved and there is a moderate physicochemical difference between proline and histidine. This variant is not present in population databases (ExAC no frequency). This variant has not been reported in the literature in individuals with CHD7-related conditions. Algorithms developed to predict the effect of missense changes on protein structure and function are either unavailable or do not agree on the potential impact of this missense change (SIFT: "Tolerated"; PolyPhen-2: "Possibly Damaging"; Align-GVGD: "Class C0"). In summary, the available evidence is currently insufficient to determine the role of this variant in disease. Therefore, it has been classified as a Variant of Uncertain Significance.

NM_017780.4(CHD7):c.1193C>A (p.Pro398His)

Gene: CHD7 (chromodomain helicase DNA binding protein 7; plus strand). Cytogenetic location: 8q12.2.
Variant type: single nucleotide variant.
Coding change: c.1193C>A on transcript NM_017780.4 (MANE Select); coding-DNA position 1193, C replaced by A.
Protein change: p.Pro398His; replaces proline 398 with histidine.
Molecular consequence: missense variant.
Genome position (GRCh38, 1-based): chr8:60,742,625, C>A. VCF-style: chr8-60742625-C-A. GRCh37 (hg19) VCF-style: chr8-61655184-C-A.
Other names: c.1193C>A, p.Pro398His (NM_001316690.1); short protein forms P398H.
Identifiers: ClinVar variation 659153 (VCV000659153.1), dbSNP rs1586250714, ClinGen allele CA371301761.